The following is an entry in ClinVar:

NM_001042492.3(NF1):c.7237T>G (p.Leu2413Val)

Gene: NF1 (neurofibromin 1; plus strand). Cytogenetic location: 17q11.2.
Variant type: single nucleotide variant.
Coding change: c.7237T>G on transcript NM_001042492.3 (MANE Select); coding-DNA position 7237, T replaced by G.
Protein change: p.Leu2413Val; replaces leucine 2413 with valine.
Molecular consequence: missense variant.
Genome position (GRCh38, 1-based): chr17:31,349,167, T>G. VCF-style: chr17-31349167-T-G. GRCh37 (hg19) VCF-style: chr17-29676185-T-G.
Other names: c.7174T>G, p.Leu2392Val (NM_000267.4); short protein forms L2392V, L2413V.
Identifiers: ClinVar variation 2071899 (VCV002071899.4), dbSNP rs2070075052, ClinGen allele CA399016747.

ClinVar aggregate classification (germline): Uncertain significance (1 of 4 stars; one submission).

Conditions:
Neurofibromatosis, type 1 (NF1). Also called: NEUROFIBROMATOSIS, TYPE I, SOMATIC; VON RECKLINGHAUSEN DISEASE; Peripheral type neurofibromatosis; Neurofibromatosis, type I. Identifiers: Orphanet 636, MedGen C0027831, MONDO:0018975, OMIM 162200. Disease mechanism: loss of function.

Submission:

Labcorp Genetics (formerly Invitae), Labcorp
Classification: Uncertain significance for Neurofibromatosis, type 1. Last evaluated: 2022-01-03. Review status: criteria provided, single submitter. Criteria: Invitae Variant Classification Sherloc (09022015). Collection method: clinical testing. Allele origin: germline.
Comment: In summary, the available evidence is currently insufficient to determine the role of this variant in disease. Therefore, it has been classified as a Variant of Uncertain Significance. This sequence change replaces leucine, which is neutral and non-polar, with valine, which is neutral and non-polar, at codon 2392 of the NF1 protein (p.Leu2392Val). This variant is not present in population databases (gnomAD no frequency). This variant has not been reported in the literature in individuals affected with NF1-related conditions. Advanced modeling of protein sequence and biophysical properties (such as structural, functional, and spatial information, amino acid conservation, physicochemical variation, residue mobility, and thermodynamic stability) performed at Invitae indicates that this missense variant is expected to disrupt NF1 protein function.